The following is an entry in ClinVar:

NM_020458.4(TTC7A):c.468C>A (p.Asn156Lys)

Gene: TTC7A (tetratricopeptide repeat domain 7A; plus strand). Cytogenetic location: 2p21.
Variant type: single nucleotide variant.
Coding change: c.468C>A on transcript NM_020458.4 (MANE Select); coding-DNA position 468, C replaced by A.
Protein change: p.Asn156Lys; replaces asparagine 156 with lysine.
Molecular consequence: missense variant. On other transcripts: 5 prime UTR variant (1).
Genome position (GRCh38, 1-based): chr2:46,956,958, C>A. VCF-style: chr2-46956958-C-A. GRCh37 (hg19) VCF-style: chr2-47184097-C-A.
Other names: c.468C>A, p.Asn156Lys (NM_001288951.2); c.366C>A, p.Asn122Lys (NM_001288953.2); c.-437C>A (NM_001288955.2); short protein forms N122K, N156K.
Identifiers: ClinVar variation 1019299 (VCV001019299.9), dbSNP rs1274728618, ClinGen allele CA346718798.

ClinVar aggregate classification (germline): Uncertain significance (1 of 4 stars; one submission).

Conditions:
Multiple gastrointestinal atresias. Also called: FAMILIAL INTESTINAL POLYATRESIA SYNDROME; Multiple intestinal atresia. Identifiers: Orphanet 2300, MedGen C0220744, MONDO:0009465.

Submission:

Labcorp Genetics (formerly Invitae), Labcorp
Classification: Uncertain significance for Multiple gastrointestinal atresias. Last evaluated: 2020-08-15. Review status: criteria provided, single submitter. Criteria: Invitae Variant Classification Sherloc (09022015). Collection method: clinical testing. Allele origin: germline.
Comment: This sequence change replaces asparagine with lysine at codon 156 of the TTC7A protein (p.Asn156Lys). The asparagine residue is weakly conserved and there is a moderate physicochemical difference between asparagine and lysine. This variant is not present in population databases (ExAC no frequency). This variant has not been reported in the literature in individuals with TTC7A-related conditions. Algorithms developed to predict the effect of missense changes on protein structure and function (SIFT, PolyPhen-2, Align-GVGD) all suggest that this variant is likely to be tolerated, but these predictions have not been confirmed by published functional studies and their clinical significance is uncertain. In summary, the available evidence is currently insufficient to determine the role of this variant in disease. Therefore, it has been classified as a Variant of Uncertain Significance.